The following is an entry in ClinVar:

ClinVar aggregate classification (germline): Conflicting classifications of pathogenicity. Review status: criteria provided, conflicting classifications (1 of 4 stars). 3 submissions from 3 submitters: Uncertain significance (1); Likely benign (2). Last evaluated 2024-12-12.

Conditions:
Inborn genetic diseases. Identifiers: MedGen C0950123, MeSH D030342.

Allele frequency attached by ClinVar (database versions not stated): gnomAD exomes 0.00013 and 0.00004; ESP Exome Variant Server 0.00015; ExAC 0.00002; TOPMed 0.00006; gnomAD 0.00011 and 0.00012.
gnomAD v4.1: 218 of 1,613,260 alleles (0.014%); highest among the groups gnomAD compares: Non-Finnish European, 0.016%; no homozygotes.

Submissions (3):

Ambry Genetics
Classification: Likely benign for Inborn genetic diseases. Last evaluated: 2024-12-12. Review status: criteria provided, single submitter. Criteria: Ambry Variant Classification Scheme 2023. Collection method: clinical testing. Allele origin: germline.

CeGaT Center for Human Genetics Tuebingen
Classification: Uncertain significance. Last evaluated: 2021-07-01. Review status: criteria provided, single submitter. Criteria: CeGaT Center For Human Genetics Tuebingen Variant Classification Criteria Version 2. Collection method: clinical testing. Allele origin: germline. Affected: yes. Observed: 1 variant allele.

GeneDx
Classification: Likely benign. Last evaluated: 2015-06-05. Review status: criteria provided, single submitter. Criteria: GeneDx Variant Classification (06012015). Collection method: clinical testing. Allele origin: germline. Affected: yes.
Comment: This variant is considered likely benign or benign based on one or more of the following criteria: it is a conservative change, it occurs at a poorly conserved position in the protein, it is predicted to be benign by multiple in silico algorithms, and/or has population frequency not consistent with disease.

NM_020191.4(MRPS22):c.767G>A (p.Arg256His)

Gene: MRPS22 (mitochondrial ribosomal protein S22; plus strand). Cytogenetic location: 3q23.
Variant type: single nucleotide variant.
Coding change: c.767G>A on transcript NM_020191.4 (MANE Select); coding-DNA position 767, G replaced by A.
Protein change: p.Arg256His; replaces arginine 256 with histidine.
Molecular consequence: missense variant.
Genome position (GRCh38, 1-based): chr3:139,352,681, G>A. VCF-style: chr3-139352681-G-A. GRCh37 (hg19) VCF-style: chr3-139071523-G-A.
Other names: c.644G>A, p.Arg215His (NM_001363857.1); c.764G>A, p.Arg255His (NM_001363893.1); short protein forms R256H, R255H, R215H.
Identifiers: ClinVar variation 379822 (VCV000379822.37), dbSNP rs149674843, ClinGen allele CA2640808.